The following is an entry in ClinVar:

ClinVar aggregate classification (germline): Benign/Likely benign. Review status: criteria provided, multiple submitters, no conflicts (2 of 4 stars). 3 submissions from 3 submitters: Benign (1); Likely benign (1). 1 of the submissions does not count toward it. Last evaluated 2026-01-28.

Conditions:
PTPN23-related disorder. Also called: PTPN23-related condition.

Allele frequency attached by ClinVar (database versions not stated): gnomAD exomes 0.00006 and 0.00021; ExAC 0.00026; gnomAD 0.00073 and 0.00077; TOPMed 0.00086; ESP Exome Variant Server 0.00092; 1000 Genomes Project 30x 0.00094; 1000 Genomes Project 0.00100.
gnomAD v4.1: 206 of 1,613,410 alleles (0.013%); highest among the groups gnomAD compares: African/African-American, 0.24%; 2 homozygotes.

Submissions (3):

Labcorp Genetics (formerly Invitae), Labcorp
Classification: Benign. Last evaluated: 2026-01-28. Review status: criteria provided, single submitter. Criteria: Invitae Variant Classification Sherloc (09022015). Collection method: clinical testing. Allele origin: germline.

Blueprint Genetics
Classification: Likely benign. Last evaluated: 2024-06-27. Review status: criteria provided, single submitter. Criteria: ACMG Guidelines, 2015. Collection method: clinical testing. Allele origin: germline.

PreventionGenetics, part of Exact Sciences
Classification: Likely benign for PTPN23-related condition. Last evaluated: 2019-03-20. Review status: no assertion criteria provided. Collection method: clinical testing. Allele origin: germline. Not counted in ClinVar's aggregate classification.
Comment: This variant is classified as likely benign based on ACMG/AMP sequence variant interpretation guidelines (Richards et al. 2015 PMID: 25741868, with internal and published modifications).

NM_015466.4(PTPN23):c.4578C>A (p.Pro1526=)

Gene: PTPN23 (protein tyrosine phosphatase non-receptor type 23; plus strand). Cytogenetic location: 3p21.31.
Variant type: single nucleotide variant.
Coding change: c.4578C>A on transcript NM_015466.4 (MANE Select); coding-DNA position 4578, C replaced by A.
Protein change: p.Pro1526=; no amino-acid change (proline 1526 retained).
Molecular consequence: synonymous variant.
Genome position (GRCh38, 1-based): chr3:47,412,852, C>A. VCF-style: chr3-47412852-C-A. GRCh37 (hg19) VCF-style: chr3-47454342-C-A.
Other names: c.4200C>A, p.Pro1400= (NM_001304482.2); c.4578C>A (NM_015466.3).
Identifiers: ClinVar variation 1643046 (VCV001643046.11), dbSNP rs144497417, ClinGen allele CA2366634.
Genomic context (GRCh38, chr3:47,412,852, plus strand): 5'-CATTCGGCCTCCTGGGGGGTTGGAGTCCCCGGTTGCCAGCTTGCCAGGCCCTGCAGAGCC[C>A]CCAGGCCTCCCGCCAGCCAGCCTCCCAGAGTCTACCCCAATCCCATCTTCCTCCCCGCCC-3'
Protein context (NP_056281.1, residues 1516-1536): PVASLPGPAE[Pro1526=]PGLPPASLPE